The following is an entry in ClinVar:

NM_000554.6(CRX):c.*996C>G

Gene: CRX (cone-rod homeobox; plus strand). Cytogenetic location: 19q13.33.
Variant type: single nucleotide variant.
Coding change: c.*996C>G on transcript NM_000554.6 (MANE Select); 996 bases downstream of the stop codon, C replaced by G.
Molecular consequence: 3 prime UTR variant.
Genome position (GRCh38, 1-based): chr19:47,840,963, C>G. VCF-style: chr19-47840963-C-G. GRCh37 (hg19) VCF-style: chr19-48344220-C-G.
Identifiers: ClinVar variation 329732 (VCV000329732.5), dbSNP rs550939154, ClinGen allele CA10648904.
Genomic context (GRCh38, chr19:47,840,963, plus strand): 5'-AGGGTTTTACCATGTTGGCCAGGCTGGTCTGGAACCCCTGACCTCAAGTGATCCGCCTGC[C>G]TCGGCCTCCCAAAGTGCTGGGATTACAGGCATGAGCCATTGTGCCTGGCCCTACACGTGG-3'

ClinVar aggregate classification (germline): Conflicting classifications of pathogenicity. Review status: criteria provided, conflicting classifications (1 of 4 stars). 3 submissions from 1 submitter: Uncertain significance (1); Benign (1); Likely benign (1). Last evaluated 2018-01-13.

Conditions:
Retinitis pigmentosa (RP). Identifiers: Orphanet 791, MedGen C0035334, MeSH D012174, MONDO:0019200, OMIM 268000. Inheritance: Autosomal dominant, autosomal recessive and X linked inheritance.
Leber congenital amaurosis 7 (LCA7). Identifiers: Orphanet 65, MedGen C3151192, MONDO:0013449, OMIM 613829.
Cone-rod dystrophy 2 (CORD2). Also called: CONE-ROD RETINAL DYSTROPHY; Cone-rod retinal dystrophy 2. Identifiers: Orphanet 1872, MedGen C3489532, MONDO:0007362, OMIM 120970.

Allele frequency attached by ClinVar (database versions not stated): 1000 Genomes Project 30x 0.00031; 1000 Genomes Project 0.00040; gnomAD 0.00123 and 0.00129; TOPMed 0.00131.

Submissions (3):

Illumina Laboratory Services, Illumina
Classification: Likely benign for Retinitis pigmentosa. Last evaluated: 2018-01-13. Review status: criteria provided, single submitter. Criteria: ICSL Variant Classification Criteria 13 December 2019. Collection method: clinical testing. Allele origin: germline.
Comment: This variant was observed in the ICSL laboratory as part of a predisposition screen in an ostensibly healthy population. It had not been previously curated by ICSL or reported in the Human Gene Mutation Database (HGMD: prior to June 1st, 2018), and was therefore a candidate for classification through an automated scoring system. Utilizing variant allele frequency, disease prevalence and penetrance estimates, and inheritance mode, an automated score was calculated to assess if this variant is too frequent to cause the disease. Based on the score and internal cut-off values, a variant classified as likely benign is not then subjected to further curation. The score for this variant resulted in a classification of likely benign for this disease.

Illumina Laboratory Services, Illumina
Classification: Uncertain significance for Leber congenital amaurosis 7. Last evaluated: 2018-01-13. Review status: criteria provided, single submitter. Criteria: ICSL Variant Classification Criteria 13 December 2019. Collection method: clinical testing. Allele origin: germline.

Illumina Laboratory Services, Illumina
Classification: Benign for Cone-rod dystrophy 2. Last evaluated: 2018-01-13. Review status: criteria provided, single submitter. Criteria: ICSL Variant Classification Criteria 13 December 2019. Collection method: clinical testing. Allele origin: germline.
Comment: This variant was observed in the ICSL laboratory as part of a predisposition screen in an ostensibly healthy population. It had not been previously curated by ICSL or reported in the Human Gene Mutation Database (HGMD: prior to June 1st, 2018), and was therefore a candidate for classification through an automated scoring system. Utilizing variant allele frequency, disease prevalence and penetrance estimates, and inheritance mode, an automated score was calculated to assess if this variant is too frequent to cause the disease. Based on the score and internal cut-off values, a variant classified as benign is not then subjected to further curation. The score for this variant resulted in a classification of benign for this disease.